The following is an entry in ClinVar:

ClinVar aggregate classification (germline): Uncertain significance (1 of 4 stars; one submission).

Submission:

Labcorp Genetics (formerly Invitae), Labcorp
Classification: Uncertain significance. Last evaluated: 2023-07-27. Review status: criteria provided, single submitter. Criteria: Invitae Variant Classification Sherloc (09022015). Collection method: clinical testing. Allele origin: germline.
Comment: In summary, the available evidence is currently insufficient to determine the role of this variant in disease. Therefore, it has been classified as a Variant of Uncertain Significance. Advanced modeling of protein sequence and biophysical properties (such as structural, functional, and spatial information, amino acid conservation, physicochemical variation, residue mobility, and thermodynamic stability) has been performed at Invitae for this missense variant, however the output from this modeling did not meet the statistical confidence thresholds required to predict the impact of this variant on MYH3 protein function. This variant has not been reported in the literature in individuals affected with MYH3-related conditions. This variant is not present in population databases (gnomAD no frequency). This sequence change replaces asparagine, which is neutral and polar, with lysine, which is basic and polar, at codon 307 of the MYH3 protein (p.Asn307Lys).

NM_002470.4(MYH3):c.921C>G (p.Asn307Lys)

Gene: MYH3 (myosin heavy chain 3; minus strand). Cytogenetic location: 17p13.1.
Variant type: single nucleotide variant.
Coding change: c.921C>G on transcript NM_002470.4 (MANE Select); coding-DNA position 921, C replaced by G.
Protein change: p.Asn307Lys; replaces asparagine 307 with lysine.
Molecular consequence: missense variant.
Genome position (GRCh38, 1-based): chr17:10,646,010, G>C on the plus strand (C>G on the coding strand, the complement: MYH3 is on the minus strand). VCF-style: chr17-10646010-G-C. GRCh37 (hg19) VCF-style: chr17-10549327-G-C.
Other names: short protein forms N307K.
Identifiers: ClinVar variation 2795602 (VCV002795602.3), dbSNP rs2508627243, ClinGen allele CA398177386.